The following is an entry in ClinVar:

NM_001039591.3(USP9X):c.334A>C (p.Lys112Gln)

Gene: USP9X (ubiquitin specific peptidase 9 X-linked; plus strand). Cytogenetic location: Xp11.4.
Variant type: single nucleotide variant.
Coding change: c.334A>C on transcript NM_001039591.3 (MANE Select); coding-DNA position 334, A replaced by C.
Protein change: p.Lys112Gln; replaces lysine 112 with glutamine.
Molecular consequence: missense variant.
Genome position (GRCh38, 1-based): chrX:41,134,736, A>C. VCF-style: chrX-41134736-A-C. GRCh37 (hg19) VCF-style: chrX-40993989-A-C.
Other names: c.334A>C, p.Lys112Gln (NM_001039590.3); short protein forms K112Q.
Identifiers: ClinVar variation 1303552 (VCV001303552.2), dbSNP rs2147028082, ClinGen allele CA412761728.

ClinVar aggregate classification (germline): Uncertain significance (1 of 4 stars; one submission).

Submission:

GeneDx
Classification: Uncertain significance. Last evaluated: 2019-09-10. Review status: criteria provided, single submitter. Criteria: GeneDx Variant Classification Process June 2021. Collection method: clinical testing. Allele origin: germline. Affected: yes.
Comment: Not observed in large population cohorts (Lek et al., 2016); In silico analysis, which includes protein predictors and evolutionary conservation, supports that this variant does not alter protein structure/function; Has not been previously published as pathogenic or benign to our knowledge